The following is an entry in ClinVar:

NM_201384.3(PLEC):c.5133G>A (p.Ala1711=)

Gene: PLEC (plectin; minus strand). Cytogenetic location: 8q24.3.
Variant type: single nucleotide variant.
Coding change: c.5133G>A on transcript NM_201384.3 (MANE Select); coding-DNA position 5133, G replaced by A.
Protein change: p.Ala1711=; no amino-acid change (alanine 1711 retained).
Molecular consequence: synonymous variant.
Genome position (GRCh38, 1-based): chr8:143,924,796, C>T on the plus strand (G>A on the coding strand, the complement: PLEC is on the minus strand). VCF-style: chr8-143924796-C-T. GRCh37 (hg19) VCF-style: chr8-144998964-C-T.
Other names: c.5214G>A, p.Ala1738= (NM_000445.5); c.5091G>A, p.Ala1697= (NM_201378.4); c.5067G>A, p.Ala1689= (NM_201379.3); c.5544G>A, p.Ala1848= (NM_201380.4); c.5037G>A, p.Ala1679= (NM_201381.3); c.5133G>A, p.Ala1711= (NM_201382.4); c.5145G>A, p.Ala1715= (NM_201383.3).
Identifiers: ClinVar variation 471603 (VCV000471603.12), dbSNP rs782100942, ClinGen allele CA4926420.
Genomic context (GRCh38, chr8:143,924,796, plus strand): 5'-CAGCTGCCGCTGCTGCTCCCCCTGCTCCGTCTCGGCCCGCAGCCGGATCAACTCCTGCTC[C>T]GCGGCCAGGCGCTGCTGCGCGGTGCCTTCCGCCAGCTGCCGCTGCTTCTCCAGCTCTTGT-3'
Protein context (NP_958786.1, residues 1701-1721): AEGTAQQRLA[Ala1711=]EQELIRLRAE

ClinVar aggregate classification (germline): Likely benign. Review status: criteria provided, multiple submitters, no conflicts (2 of 4 stars). 2 submissions from 2 submitters: Likely benign (2). Last evaluated 2026-03-21.

Conditions:
PLEC-related disorder. Also called: PLEC-related disorders; PLEC-related condition.
Autosomal recessive limb-girdle muscular dystrophy type 2Q (LGMDR17). Also called: MUSCULAR DYSTROPHY, LIMB-GIRDLE, AUTOSOMAL RECESSIVE 17. Identifiers: Orphanet 254361, MedGen C3150989, MONDO:0013390, OMIM 613723.
Epidermolysis bullosa simplex with nail dystrophy (EBS5D). Identifiers: MedGen C4225309, MONDO:0014661, OMIM 616487.
Epidermolysis bullosa simplex 5C, with pyloric atresia (EBS5C). Also called: PLEC-Related Epidermolysis Bullosa with Pyloric Atresia; Epidermolysis bullosa simplex with pyloric atresia; PLEC1-Related Epidermolysis Bullosa with Pyloric Atresia. Identifiers: Orphanet 158684, MedGen C2677349, MONDO:0012807, OMIM 612138.
Epidermolysis bullosa simplex, Ogna type (EBS5A). Also called: Pidermolysis bullosa simplex 5A, Ogna type; EPIDERMOLYSIS BULLOSA SIMPLEX 5A, OGNA TYPE. Identifiers: Orphanet 79401, MedGen C0432317, MONDO:0007555, OMIM 131950.
Epidermolysis bullosa simplex 5B, with muscular dystrophy (EBS5B). Also called: EPIDERMOLYSIS BULLOSA SIMPLEX AND LIMB-GIRDLE MUSCULAR DYSTROPHY; Epidermolysis bullosa simplex with muscular dystrophy. Identifiers: Orphanet 257, MedGen C2931072, MONDO:0009181, OMIM 226670.

Allele frequency attached by ClinVar (database versions not stated): ExAC below 0.00001; gnomAD exomes 0.00003; gnomAD 0.00004; TOPMed 0.00004.
gnomAD v4.1: 49 of 1,536,766 alleles (0.0032%); highest among the groups gnomAD compares: Middle Eastern, 0.033%; 1 homozygote.

Submissions (2):

PreventionGenetics, part of Exact Sciences
Classification: Likely benign for PLEC-related condition. Last evaluated: 2026-03-21. Review status: criteria provided, single submitter. Criteria: ACMG Guidelines, 2015. Collection method: clinical testing. Allele origin: germline.
Comment: This variant is classified as likely benign based on ACMG/AMP sequence variant interpretation guidelines (Richards et al. 2015 PMID: 25741868, with internal and published modifications).

Labcorp Genetics (formerly Invitae), Labcorp
Classification: Likely benign for Autosomal recessive limb-girdle muscular dystrophy type 2Q; Epidermolysis bullosa simplex, Ogna type; Epidermolysis bullosa simplex with nail dystrophy; Epidermolysis bullosa simplex 5C, with pyloric atresia; Epidermolysis bullosa simplex 5B, with muscular dystrophy. Last evaluated: 2025-02-03. Review status: criteria provided, single submitter. Criteria: Invitae Variant Classification Sherloc (09022015). Collection method: clinical testing. Allele origin: germline.